The following is an entry in ClinVar:

ClinVar aggregate classification (germline): Likely benign (1 of 4 stars; one submission).

Allele frequency attached by ClinVar (database versions not stated): TOPMed 0.00002 and 0.00001; ExAC below 0.00001.

Submission:

GeneDx
Classification: Likely benign. Last evaluated: 2015-11-12. Review status: criteria provided, single submitter. Criteria: GeneDx Variant Classification (06012015). Collection method: clinical testing. Allele origin: germline. Affected: yes.
Comment: This variant is considered likely benign or benign based on one or more of the following criteria: it is a conservative change, it occurs at a poorly conserved position in the protein, it is predicted to be benign by multiple in silico algorithms, and/or has population frequency not consistent with disease.

NM_000218.3(KCNQ1):c.1795-17T>C

Genes: KCNQ1 (potassium voltage-gated channel subfamily Q member 1; plus strand), KCNQ1-AS1 (KCNQ1 antisense RNA 1; minus strand). Cytogenetic location: 11p15.4.
Variant type: single nucleotide variant.
Coding change: c.1795-17T>C on transcript NM_000218.3 (MANE Select); 17 bases into the intron before coding-DNA position 1795, T replaced by C.
Molecular consequence: intron variant.
Genome position (GRCh38, 1-based): chr11:2,847,750, T>C. VCF-style: chr11-2847750-T-C. GRCh37 (hg19) VCF-style: chr11-2868980-T-C.
Other names: c.1525-17T>C (NM_001406837.1); c.1699-17T>C (NM_001406836.1); c.1255-17T>C (NM_001406838.1); c.1414-17T>C (NM_181798.2); c.307-17T>C (NM_001406839.1).
Identifiers: ClinVar variation 381368 (VCV000381368.3), dbSNP rs745748068, ClinGen allele CA033121.